The following is an entry in ClinVar:

NM_000719.7(CACNA1C):c.5600G>A (p.Arg1867Gln)

Genes: CACNA1C (calcium voltage-gated channel subunit alpha1 C; plus strand), CACNA1C-AS1 (CACNA1C antisense RNA 1; minus strand). Cytogenetic location: 12p13.33.
Variant type: single nucleotide variant.
Coding change: c.5600G>A on transcript NM_000719.7 (MANE Select); coding-DNA position 5600, G replaced by A.
Protein change: p.Arg1867Gln; replaces arginine 1867 with glutamine.
Molecular consequence: missense variant.
Genome position (GRCh38, 1-based): chr12:2,685,762, G>A. VCF-style: chr12-2685762-G-A. GRCh37 (hg19) VCF-style: chr12-2794928-G-A.
Other names: c.5744G>A, p.Arg1915Gln (NM_001129827.2); c.5723G>A, p.Arg1908Gln (NM_001129829.2); c.5705G>A, p.Arg1902Gln (NM_001129830.3, NM_001167624.3); c.5684G>A, p.Arg1895Gln (NM_001129831.2); c.5660G>A, p.Arg1887Gln (NM_001129832.2); c.5657G>A, p.Arg1886Gln (NM_001129833.2, NM_001129834.2, NM_001129835.2); c.5651G>A, p.Arg1884Gln (NM_001129836.2); c.5624G>A, p.Arg1875Gln (NM_001129837.2, NM_001129838.2); and 6 more; short protein forms R1867Q, R1902Q, R1915Q, R1887Q, R1950Q, R1864Q, R1873Q, R1875Q.
Identifiers: ClinVar variation 518667 (VCV000518667.28), dbSNP rs535350857, ClinGen allele CA6389907.
Genomic context (GRCh38, chr12:2,685,762, plus strand): 5'-TCCAGGAACAAGCCCCATGAGCTCTCTGTTCCAGGCTCTCCTACCAGGATGACGAAAATC[G>A]GCAACTGACGCTCCCAGAGGAGGACAAGAGGGACATCCGGCAATCTCCGAAGAGGGGTTT-3'
Protein context (NP_000710.5, residues 1857-1877): EMLSYQDDEN[Arg1867Gln]QLTLPEEDKR

ClinVar aggregate classification (germline): Conflicting classifications of pathogenicity. Review status: criteria provided, conflicting classifications (1 of 4 stars). 3 submissions from 3 submitters: Uncertain significance (2); Likely benign (1). Last evaluated 2025-12-28.

Conditions:
Cardiovascular phenotype. Identifiers: MedGen CN230736.
Long QT syndrome (LQTS). Identifiers: MedGen C0023976, MeSH D008133, MONDO:0002442. Disease mechanism: loss of function. Inheritance: Various modes of inheritance.

Allele frequency attached by ClinVar (database versions not stated): gnomAD 0.00001; gnomAD exomes 0.00001; TOPMed 0.00001; ExAC 0.00002; 1000 Genomes Project 0.00020; 1000 Genomes Project 30x 0.00031.
gnomAD v4.1: 19 of 1,613,718 alleles (0.0012%); highest among the groups gnomAD compares: African/African-American, 0.0093%; no homozygotes.

Submissions (3):

Labcorp Genetics (formerly Invitae), Labcorp
Classification: Uncertain significance for Long QT syndrome. Last evaluated: 2025-12-28. Review status: criteria provided, single submitter. Criteria: Invitae Variant Classification Sherloc (09022015). Collection method: clinical testing. Allele origin: germline.
Comment: This sequence change replaces arginine, which is basic and polar, with glutamine, which is neutral and polar, at codon 1867 of the CACNA1C protein (p.Arg1867Gln). This variant is present in population databases (rs535350857, gnomAD 0.002%). This missense change has been observed in individual(s) with clinical features of long QT syndrome (internal data). ClinVar contains an entry for this variant (Variation ID: 518667). Invitae Evidence Modeling of protein sequence and biophysical properties (such as structural, functional, and spatial information, amino acid conservation, physicochemical variation, residue mobility, and thermodynamic stability) indicates that this missense variant is not expected to disrupt CACNA1C protein function with a negative predictive value of 95%. In summary, the available evidence is currently insufficient to determine the role of this variant in disease. Therefore, it has been classified as a Variant of Uncertain Significance.

Ambry Genetics
Classification: Uncertain significance for Cardiovascular phenotype. Last evaluated: 2025-10-28. Review status: criteria provided, single submitter. Criteria: Ambry Variant Classification Scheme 2023. Collection method: clinical testing. Allele origin: germline.
Comment: The p.R1867Q variant (also known as c.5600G>A), located in coding exon 44 of the CACNA1C gene, results from a G to A substitution at nucleotide position 5600. The arginine at codon 1867 is replaced by glutamine, an amino acid with highly similar properties. This amino acid position is highly conserved in available vertebrate species. In addition, this alteration is predicted to be tolerated by in silico analysis. Based on data from gnomAD, the frequency for this variant is above the maximum credible frequency for a Timothy syndrome or long QT syndrome-causing variant in this gene based on internally established thresholds (Karczewski et al. Nature. 2020 May;581(7809):434-443; Whiffin et al. Genet Med. 2017 10;19:1151-1158). Based on the supporting evidence, this variant is unlikely to be causative of Timothy syndrome or long QT syndrome; however, its contribution to the development of CACNA1C-related neurodevelopmental disorder is uncertain.

CeGaT Center for Human Genetics Tuebingen
Classification: Likely benign. Last evaluated: 2024-08-01. Review status: criteria provided, single submitter. Criteria: CeGaT Center For Human Genetics Tuebingen Variant Classification Criteria Version 2. Collection method: clinical testing. Allele origin: germline. Affected: yes. Observed: 1 variant allele.
Comment: CACNA1C: BP4